The following is an entry in ClinVar:

ClinVar aggregate classification (germline): Uncertain significance (1 of 4 stars; one submission).

Conditions:
Cardiovascular phenotype. Identifiers: MedGen CN230736.

Submission:

Ambry Genetics
Classification: Uncertain significance for Cardiovascular phenotype. Last evaluated: 2022-04-01. Review status: criteria provided, single submitter. Criteria: Ambry Variant Classification Scheme 2023. Collection method: clinical testing. Allele origin: germline.
Comment: The p.P2992L variant (also known as c.8975C>T), located in coding exon 2 of the ZNF469 gene, results from a C to T substitution at nucleotide position 8975. The proline at codon 2992 is replaced by leucine, an amino acid with similar properties. This amino acid position is conserved. In addition, this alteration is predicted to be tolerated by in silico analysis. Since supporting evidence is limited at this time, the clinical significance of this alteration remains unclear.

NM_001367624.2(ZNF469):c.9059C>T (p.Pro3020Leu)

Gene: ZNF469 (zinc finger protein 469; plus strand). Cytogenetic location: 16q24.2.
Variant type: single nucleotide variant.
Coding change: c.9059C>T on transcript NM_001367624.2 (MANE Select); coding-DNA position 9059, C replaced by T.
Protein change: p.Pro3020Leu; replaces proline 3020 with leucine.
Molecular consequence: missense variant.
Genome position (GRCh38, 1-based): chr16:88,436,529, C>T. VCF-style: chr16-88436529-C-T. GRCh37 (hg19) VCF-style: chr16-88502937-C-T.
Other names: NM_001127464.1:c.8975C>T; short protein forms P3020L.
Identifiers: ClinVar variation 1765291 (VCV001765291.2), dbSNP rs1406997880, ClinGen allele CA397120473.
Genomic context (GRCh38, chr16:88,436,529, plus strand): 5'-TGGAGATGCCGGCCCCTGCCGATGACTCCTCCTCTTCTCTCGGAGATGTGAGCCCCGAGC[C>T]CCCCAGCCTGGAGAGAGAACGCTGTGACGGTGGGCTTCCCGGGAACACCCACCTGCTGCC-3'
Protein context (NP_001354553.1, residues 3010-3030): SSSLGDVSPE[Pro3020Leu]PSLERERCDG